The following is an entry in ClinVar:

NM_000127.3(EXT1):c.1323_1324del (p.Asn441fs)

Gene: EXT1 (exostosin glycosyltransferase 1; minus strand). Cytogenetic location: 8q24.11.
Variant type: Deletion.
Coding change: c.1323_1324del on transcript NM_000127.3 (MANE Select); coding-DNA positions 1323 to 1324, 2 bases deleted (CA; older notation c.1323_1324delCA).
Protein change: p.Asn441fs; shifts the reading frame from asparagine 441.
Molecular consequence: frameshift variant.
Genome position (GRCh38, 1-based): chr8:117,822,558-117,822,559, TG deleted on the plus strand (CA on the coding strand, the reverse complement: EXT1 is on the minus strand); deleting any 2 consecutive bases within chr8:117,822,558-117,822,560 gives the same sequence; the c. name uses the placement nearest the transcript's 3' end. VCF-style (leftmost placement, unchanged base first): chr8-117822557-CTG-C. GRCh37 (hg19) VCF-style: chr8-118834796-CTG-C.
Other names: short protein forms N441fs.
Identifiers: ClinVar variation 817636 (VCV000817636.1), dbSNP rs1586997875, ClinGen allele CA915948697.

ClinVar aggregate classification (germline): Pathogenic (1 of 4 stars; one submission).

Submission:

GeneDx
Classification: Pathogenic. Last evaluated: 2018-08-09. Review status: criteria provided, single submitter. Criteria: GeneDx Variant Classification (06012015). Collection method: clinical testing. Allele origin: germline. Affected: yes.
Comment: The c.1323_1324delCA variant in the EXT1 gene causes a frameshift starting with codon Asparagine 441, changes this amino acid to a Lysine residue and creates a premature Stop codon at position 30 of the new reading frame, denoted p.Asn441LysfsX30. This variant is predicted to cause loss of normal protein function either through protein truncation or nonsense-mediated mRNA decay. The c.1323_1324delCA variant is not observed in large population cohorts (Lek et al., 2016). Therefore, this variant is pathogenic.